The following is an entry in ClinVar:

ClinVar aggregate classification (germline): Uncertain significance. Review status: criteria provided, multiple submitters, no conflicts (2 of 4 stars). 2 submissions from 2 submitters: Uncertain significance (2). Last evaluated 2023-03-21.

Allele frequency attached by ClinVar (database versions not stated): ExAC 0.00001; gnomAD exomes 0.00001; TOPMed 0.00004; gnomAD 0.00005.
gnomAD v4.1: 20 of 1,610,678 alleles (0.0012%); highest among the groups gnomAD compares: African/African-American, 0.023%; no homozygotes.

Submissions (2):

Ambry Genetics
Classification: Uncertain significance. Last evaluated: 2023-03-21. Review status: criteria provided, single submitter. Criteria: Ambry Variant Classification Scheme 2023. Collection method: clinical testing. Allele origin: germline.

Labcorp Genetics (formerly Invitae), Labcorp
Classification: Uncertain significance. Last evaluated: 2022-08-15. Review status: criteria provided, single submitter. Criteria: Invitae Variant Classification Sherloc (09022015). Collection method: clinical testing. Allele origin: germline.
Comment: In summary, the available evidence is currently insufficient to determine the role of this variant in disease. Therefore, it has been classified as a Variant of Uncertain Significance. Experimental studies and prediction algorithms are not available or were not evaluated, and the functional significance of this variant is currently unknown. ClinVar contains an entry for this variant (Variation ID: 1443881). This variant has not been reported in the literature in individuals affected with EXOC6B-related conditions. This variant is present in population databases (rs748093263, gnomAD 0.01%). This sequence change replaces lysine with arginine at codon 247 of the EXOC6B protein (p.Lys247Arg). The lysine residue is weakly conserved and there is a small physicochemical difference between lysine and arginine.

NM_015189.3(EXOC6B):c.740A>G (p.Lys247Arg)

Gene: EXOC6B (exocyst complex component 6B; minus strand). Cytogenetic location: 2p13.2.
Variant type: single nucleotide variant.
Coding change: c.740A>G on transcript NM_015189.3 (MANE Select); coding-DNA position 740, A replaced by G.
Protein change: p.Lys247Arg; replaces lysine 247 with arginine.
Molecular consequence: missense variant. On other transcripts: non-coding transcript variant (2).
Genome position (GRCh38, 1-based): chr2:72,575,598, T>C on the plus strand (A>G on the coding strand, the complement: EXOC6B is on the minus strand). VCF-style: chr2-72575598-T-C. GRCh37 (hg19) VCF-style: chr2-72802727-T-C.
Other names: c.740A>G, p.Lys247Arg (NM_001321729.2, NM_001321730.2, NM_001321731.2 and 1 more transcripts); c.401A>G, p.Lys134Arg (NM_001321734.2); c.740A>G (NM_015189.1); short protein forms K134R, K247R.
Identifiers: ClinVar variation 1443881 (VCV001443881.5), dbSNP rs748093263, ClinGen allele CA1708669.